The following is an entry in ClinVar:

NM_003238.6(TGFB2):c.793A>G (p.Lys265Glu)

Gene: TGFB2 (transforming growth factor beta 2; plus strand). Cytogenetic location: 1q41.
Variant type: single nucleotide variant.
Coding change: c.793A>G on transcript NM_003238.6 (MANE Select); coding-DNA position 793, A replaced by G.
Protein change: p.Lys265Glu; replaces lysine 265 with glutamic acid.
Molecular consequence: missense variant.
Genome position (GRCh38, 1-based): chr1:218,436,008, A>G. VCF-style: chr1-218436008-A-G. GRCh37 (hg19) VCF-style: chr1-218609350-A-G.
Other names: c.877A>G, p.Lys293Glu (NM_001135599.4); short protein forms K265E, K293E.
Identifiers: ClinVar variation 263896 (VCV000263896.5), dbSNP rs886038965, ClinGen allele CA10587423.

ClinVar aggregate classification (germline): Uncertain significance (1 of 4 stars; one submission).

Conditions:
Familial thoracic aortic aneurysm and aortic dissection (TAAD). Also called: Thoracic aortic aneurysms and dissections. Identifiers: Orphanet 91387, MedGen C4707243, MONDO:0019625.

Submission:

Ambry Genetics
Classification: Uncertain significance for Familial thoracic aortic aneurysm and aortic dissection. Last evaluated: 2015-02-04. Review status: criteria provided, single submitter. Criteria: Ambry Variant Classification Scheme 2023. Collection method: clinical testing. Allele origin: germline.
Comment: The p.K293E variant (also known as c.877A>G), located in coding exon 6 of the TGFB2 gene, results from an A to G substitution at nucleotide position 877. The lysine at codon 293 is replaced by glutamic acid, an amino acid with some similar properties. This variant was not reported in population based cohorts in the following databases: Database of Single Nucleotide Polymorphisms (dbSNP), NHLBI Exome Sequencing Project (ESP), and 1000 Genomes Project. In the ESP, this variant was not observed in 6,503 samples (13,006 alleles) with coverage at this position. This amino acid position is highly conserved in available vertebrate species. In addition, the in silico prediction for this alteration is inconclusive. Since supporting evidence is limited at this time, the clinical significance of this variant remains unclear.